The following is an entry in ClinVar:

ClinVar aggregate classification (germline): Uncertain significance (1 of 4 stars; one submission).

Submission:

ISCA site 15
Classification: Uncertain significance. Last evaluated: 2011-08-12. Review status: criteria provided, single submitter. Criteria: Kaminsky et al. (Genet Med. 2011). Collection method: clinical testing. Allele origin: unknown. Affected: yes. Observed: 1 variant allele.
Comment: Copy number variation identified through the course of routine clinical cytogenomic testing in postnatal populations. Clinical assertions have been curated as described in Kaminsky et al. 2011.

GRCh38/hg38 4q23(chr4:97972342-100038125)x3

Genes: ADH1A (alcohol dehydrogenase 1A (class I), alpha polypeptide; minus strand), ADH1B (alcohol dehydrogenase 1B (class I), beta polypeptide; minus strand), ADH1C (alcohol dehydrogenase 1C (class I), gamma polypeptide; minus strand), ADH4 (alcohol dehydrogenase 4 (class II), pi polypeptide; minus strand), ADH5 (alcohol dehydrogenase 5 (class III), chi polypeptide; minus strand) and 56 more. Cytogenetic location: 4q23.
Variant type: copy number gain.
Change: copy number 3 (three copies instead of two) of chr4:97,972,342-100,038,125 (2.07 Mb, GRCh38 coordinates, 1-based), cytogenetic band 4q23.
Identifiers: ClinVar variation 57892 (VCV000057892.1).